The following is an entry in ClinVar:

ClinVar aggregate classification (germline): Pathogenic (1 of 4 stars; one submission).

Conditions:
Mucopolysaccharidosis, MPS-II (MPS2). Also called: Hunter Syndrome; IDURONATE 2-SULFATASE DEFICIENCY; Mucopolysaccharidosis Type II; Mucopolysaccharidosis type 2; Attenuated MPS (subtype; formerly known as mild MPS II); Severe MPS II. Identifiers: Orphanet 580, Orphanet 79388, MedGen C0026705, MONDO:0010674, OMIM 309900.

Submission:

Laboratory of Diagnosis and Therapy of Lysosomal Disorders, University of Padova
Classification: Pathogenic for Mucopolysaccharidosis, MPS-II. Last evaluated: 2024-06-07. Review status: criteria provided, single submitter. Criteria: ACMG Guidelines, 2015. Collection method: literature only. Allele origin: germline. Affected: yes. Observed: 2 variant alleles.
Comment: Null variant (PVS1_VeryStrong), Absent from controls (or at low frequency) in gnomAD database (PM2_Moderate), Patient’s phenotype or family history highly specific for the disease (PP4_Strong)

Classification method: ACMG Guidelines [PMID:25741868] with modifications

Literature cited by the submitters: PubMed 18500569; PubMed 8940265.

NM_000202.8(IDS):c.1036del (p.Ala346fs)

Genes: IDS (iduronate 2-sulfatase; minus strand), LOC106050102 (IDS recombination region; plus strand). Cytogenetic location: Xq28.
Variant type: Deletion.
Coding change: c.1036del on transcript NM_000202.8 (MANE Select); coding-DNA position 1036, one base deleted (G; older notation c.1036delG).
Protein change: p.Ala346fs; shifts the reading frame from alanine 346.
Molecular consequence: frameshift variant.
Genome position (GRCh38, 1-based): chrX:149,487,069, C deleted on the plus strand (G on the coding strand, the reverse complement: IDS is on the minus strand); the first of 3 consecutive C bases (chrX:149,487,069-149,487,071); deleting any one gives the same sequence. VCF-style (leftmost placement, unchanged base first): chrX-149487068-GC-G. GRCh37 (hg19) VCF-style: chrX-148568599-GC-G.
Other names: c.766del, p.Ala256fs (NM_001166550.4); short protein forms A256fs, A346fs.
Identifiers: ClinVar variation 3255937 (VCV003255937.2).